The following is an entry in ClinVar:

ClinVar aggregate classification (germline): Uncertain significance (1 of 4 stars; one submission).

Conditions:
Legius syndrome. Identifiers: Orphanet 137605, MedGen C1969623, MONDO:0012669, OMIM 611431. Disease mechanism: loss of function.

Submission:

Labcorp Genetics (formerly Invitae), Labcorp
Classification: Uncertain significance for Legius syndrome. Last evaluated: 2020-12-09. Review status: criteria provided, single submitter. Criteria: Invitae Variant Classification Sherloc (09022015). Collection method: clinical testing. Allele origin: germline.
Comment: In summary, the available evidence is currently insufficient to determine the role of this variant in disease. Therefore, it has been classified as a Variant of Uncertain Significance. Algorithms developed to predict the effect of missense changes on protein structure and function (SIFT, PolyPhen-2, Align-GVGD) all suggest that this variant is likely to be tolerated, but these predictions have not been confirmed by published functional studies and their clinical significance is uncertain. This variant has not been reported in the literature in individuals with SPRED1-related conditions. This variant is not present in population databases (ExAC no frequency). This sequence change replaces valine with phenylalanine at codon 163 of the SPRED1 protein (p.Val163Phe). The valine residue is highly conserved and there is a small physicochemical difference between valine and phenylalanine.

NM_152594.3(SPRED1):c.487G>T (p.Val163Phe)

Gene: SPRED1 (sprouty related EVH1 domain containing 1; plus strand). Cytogenetic location: 15q14.
Variant type: single nucleotide variant.
Coding change: c.487G>T on transcript NM_152594.3 (MANE Select); coding-DNA position 487, G replaced by T.
Protein change: p.Val163Phe; replaces valine 163 with phenylalanine.
Molecular consequence: missense variant.
Genome position (GRCh38, 1-based): chr15:38,339,800, G>T. VCF-style: chr15-38339800-G-T. GRCh37 (hg19) VCF-style: chr15-38632001-G-T.
Other names: short protein forms V163F.
Identifiers: ClinVar variation 1016965 (VCV001016965.9), dbSNP rs1895993694, ClinGen allele CA391932542.